The following is an entry in ClinVar:

ClinVar aggregate classification (germline): Conflicting classifications of pathogenicity. Review status: criteria provided, conflicting classifications (1 of 4 stars). 7 submissions from 7 submitters: Uncertain significance (4); Likely benign (3). Last evaluated 2026-08-07.

Conditions:
TTN-related disorder. Also called: TTN-related disorders; TTN-related condition; TTN-related disease.
Autosomal recessive limb-girdle muscular dystrophy type 2J (LGMDR10). Also called: Limb-girdle muscular dystrophy, type 2J; MUSCULAR DYSTROPHY, LIMB-GIRDLE, AUTOSOMAL RECESSIVE 10. Identifiers: Orphanet 140922, MedGen C1837342, MONDO:0012127, OMIM 608807.
Dilated cardiomyopathy 1G (CMD1G). Identifiers: Orphanet 154, MedGen C1858763, MONDO:0011400, OMIM 604145.
Cardiovascular phenotype. Identifiers: MedGen CN230736.

Allele frequency attached by ClinVar (database versions not stated): ESP Exome Variant Server 0.00008; 1000 Genomes Project 0.00060; 1000 Genomes Project 30x 0.00062; gnomAD 0.00016; TOPMed 0.00031.
gnomAD v4.1: 81 of 1,613,892 alleles (0.005%); highest among the groups gnomAD compares: African/African-American, 0.093%; no homozygotes.

Submissions (7):

PreventionGenetics, part of Exact Sciences
Classification: Uncertain significance for TTN-related condition. Last evaluated: 2026-08-07. Review status: criteria provided, single submitter. Criteria: ACMG Guidelines, 2015. Collection method: clinical testing. Allele origin: germline.
Comment: The TTN c.12332C>G variant is predicted to result in the amino acid substitution p.Ala4111Gly. To our knowledge, this variant has not been reported in the literature. This variant is reported in 0.087% of alleles in individuals of African descent in gnomAD. Although we suspect that this variant may be benign, at this time, the clinical significance of this variant is uncertain due to the absence of conclusive functional and genetic evidence.

Molecular Diagnostic Laboratory for Inherited Cardiovascular Disease, Montreal Heart Institute
Classification: Likely benign. Last evaluated: 2025-04-09. Review status: criteria provided, single submitter. Criteria: ACMG Guidelines, 2015. Collection method: clinical testing. Allele origin: germline. Affected: no.

Women's Health and Genetics/Laboratory Corporation of America, LabCorp
Classification: Likely benign. Last evaluated: 2025-01-31. Review status: criteria provided, single submitter. Criteria: LabCorp Variant Classification Summary - May 2015. Collection method: clinical testing. Allele origin: germline.
Comment: Variant summary: TTN c.10361-2541C>G is located at a position not widely known to affect splicing. This variant corresponds to c.12332C>G (p.Ala4111Gly) in NM_001267550. Consensus agreement among computation tools predict no significant impact on normal splicing. However, these predictions have yet to be confirmed by functional studies. The variant allele was found at a frequency of 5e-05 in 1613892 control chromosomes, predominantly at a frequency of 0.00093 within the African or African-American subpopulation in the gnomAD database. The observed variant frequency within African or African-American control individuals in the gnomAD database is approximately 2.4-fold of the estimated maximal expected allele frequency for a pathogenic variant in TTN causing dilated cardiomyopathy phenotype (0.00039). To our knowledge, no occurrence of c.10361-2541C>G in individuals affected with dilated cardiomyopathy and no experimental evidence demonstrating its impact on protein function have been reported. ClinVar contains an entry for this variant (Variation ID: 385539). Based on the evidence outlined above, the variant was classified as likely benign.

GeneDx
Classification: Likely benign. Last evaluated: 2021-06-24. Review status: criteria provided, single submitter. Criteria: GeneDx Variant Classification Process June 2021. Collection method: clinical testing. Allele origin: germline. Affected: yes.

Ambry Genetics
Classification: Uncertain significance for Cardiovascular phenotype. Last evaluated: 2018-11-14. Review status: criteria provided, single submitter. Criteria: Ambry Variant Classification Scheme 2023. Collection method: clinical testing. Allele origin: germline.
Comment: The p.A3748G variant (also known as c.11243C>G), located in coding exon 44 of the TTN gene, results from a C to G substitution at nucleotide position 11243. The alanine at codon 3748 is replaced by glycine, an amino acid with similar properties. This amino acid position is poorly conserved in available vertebrate species. In addition, this alteration is predicted to be tolerated by in silico analysis. Since supporting evidence is limited at this time, the clinical significance of this alteration remains unclear.

Eurofins Ntd Llc (ga)
Classification: Uncertain significance. Last evaluated: 2017-11-15. Review status: criteria provided, single submitter. Criteria: EGL Classification Definitions 2015. Collection method: clinical testing. Allele origin: germline. Observed: 1 variant allele, 1 heterozygote.

Labcorp Genetics (formerly Invitae), Labcorp
Classification: Uncertain significance for Dilated cardiomyopathy 1G; Autosomal recessive limb-girdle muscular dystrophy type 2J. Last evaluated: 2017-06-27. Review status: criteria provided, single submitter. Criteria: Invitae Variant Classification Sherloc (09022015). Collection method: clinical testing. Allele origin: germline.

NM_001267550.2(TTN):c.12332C>G (p.Ala4111Gly)

Gene: TTN (titin; minus strand). Cytogenetic location: 2q31.2.
Variant type: single nucleotide variant.
Coding change: c.12332C>G on transcript NM_001267550.2 (MANE Select); coding-DNA position 12332, C replaced by G.
Protein change: p.Ala4111Gly; replaces alanine 4111 with glycine.
Molecular consequence: missense variant. On other transcripts: intron variant (1).
Genome position (GRCh38, 1-based): chr2:178,740,901, G>C on the plus strand (C>G on the coding strand, the complement: TTN is on the minus strand). VCF-style: chr2-178740901-G-C. GRCh37 (hg19) VCF-style: chr2-179605628-G-C.
Other names: c.11381C>G, p.Ala3794Gly (NM_001256850.1); c.11243C>G, p.Ala3748Gly (NM_003319.4); c.11618C>G, p.Ala3873Gly (NM_133432.3); c.11819C>G, p.Ala3940Gly (NM_133437.4); c.10361-2541C>G (NM_133378.4); short protein forms A3794G, A4111G, A3748G, A3940G, A3873G.
Identifiers: ClinVar variation 385539 (VCV000385539.16), dbSNP rs140289517, ClinGen allele CA2002731.